The following is an entry in ClinVar:

NM_080680.3(COL11A2):c.3582+88A>G

Gene: COL11A2 (collagen type XI alpha 2 chain; minus strand). Cytogenetic location: 6p21.32.
Variant type: single nucleotide variant.
Coding change: c.3582+88A>G on transcript NM_080680.3 (MANE Select); 88 bases into the intron after coding-DNA position 3582, A replaced by G.
Molecular consequence: intron variant.
Genome position (GRCh38, 1-based): chr6:33,170,238, T>C on the plus strand (A>G on the coding strand, the complement: COL11A2 is on the minus strand). VCF-style: chr6-33170238-T-C. GRCh37 (hg19) VCF-style: chr6-33138015-T-C.
Other names: c.3261+88A>G (NM_080679.3); c.3324+88A>G (NM_080681.3).
Identifiers: ClinVar variation 674974 (VCV000674974.1), dbSNP rs41317094, ClinGen allele CA12400929.

ClinVar aggregate classification (germline): Benign (1 of 4 stars; one submission).

Allele frequency attached by ClinVar (database versions not stated): gnomAD exomes 0.04869; 1000 Genomes Project 0.10244; gnomAD 0.10806 and 0.11515; 1000 Genomes Project 30x 0.11243; TOPMed 0.11609.

Submission:

GeneDx
Classification: Benign. Last evaluated: 2018-06-19. Review status: criteria provided, single submitter. Criteria: GeneDx Variant Classification (06012015). Collection method: clinical testing. Allele origin: germline. Affected: yes.
Comment: This variant is considered likely benign or benign based on one or more of the following criteria: it is a conservative change, it occurs at a poorly conserved position in the protein, it is predicted to be benign by multiple in silico algorithms, and/or has population frequency not consistent with disease.